The following is an entry in ClinVar:

NM_001042545.2(LTBP4):c.3549C>T (p.Leu1183=)

Gene: LTBP4 (latent transforming growth factor beta binding protein 4; plus strand). Cytogenetic location: 19q13.2.
Variant type: single nucleotide variant.
Coding change: c.3549C>T on transcript NM_001042545.2 (MANE Select); coding-DNA position 3549, C replaced by T.
Protein change: p.Leu1183=; no amino-acid change (leucine 1183 retained).
Molecular consequence: synonymous variant.
Genome position (GRCh38, 1-based): chr19:40,623,014, C>T. VCF-style: chr19-40623014-C-T. GRCh37 (hg19) VCF-style: chr19-41128919-C-T.
Other names: c.3750C>T, p.Leu1250= (NM_001042544.1); c.3639C>T, p.Leu1213= (NM_003573.2).
Identifiers: ClinVar variation 3047612 (VCV003047612.1), dbSNP rs2515384336, ClinGen allele CA507496167.

ClinVar aggregate classification (germline): Likely benign (1 of 4 stars; one submission).

Conditions:
LTBP4-related disorder. Also called: LTBP4-related condition.

Allele frequency attached by ClinVar (database versions not stated): gnomAD exomes below 0.00001.
gnomAD v4.1: 3 of 1,610,588 alleles (0.00019%); highest among the groups gnomAD compares: Non-Finnish European, 0.00025%; no homozygotes.

Submission:

PreventionGenetics, part of Exact Sciences
Classification: Likely benign for LTBP4-related condition. Last evaluated: 2021-05-24. Review status: criteria provided, single submitter. Criteria: ACMG Guidelines, 2015. Collection method: clinical testing. Allele origin: germline.
Comment: This variant is classified as likely benign based on ACMG/AMP sequence variant interpretation guidelines (Richards et al. 2015 PMID: 25741868, with internal and published modifications).